The following is an entry in ClinVar:

ClinVar aggregate classification (germline): Uncertain significance. Review status: criteria provided, single submitter (1 of 4 stars). 2 submissions from 2 submitters: Uncertain significance (1). 1 of the submissions does not count toward it. Last evaluated 2024-07-22.

Conditions:
ERBB4-related disorder. Also called: ERBB4-related condition.

Allele frequency attached by ClinVar (database versions not stated): ExAC 0.00002; gnomAD 0.00002 and 0.00003; gnomAD exomes 0.00004 and 0.00006; TOPMed 0.00005; ESP Exome Variant Server 0.00015.
gnomAD v4.1: 87 of 1,613,882 alleles (0.0054%); highest among the groups gnomAD compares: Non-Finnish European, 0.0072%; no homozygotes.

Submissions (2):

Labcorp Genetics (formerly Invitae), Labcorp
Classification: Uncertain significance. Last evaluated: 2024-07-22. Review status: criteria provided, single submitter. Criteria: Invitae Variant Classification Sherloc (09022015). Collection method: clinical testing. Allele origin: germline.
Comment: This sequence change replaces threonine, which is neutral and polar, with alanine, which is neutral and non-polar, at codon 1085 of the ERBB4 protein (p.Thr1085Ala). This variant is present in population databases (rs143251275, gnomAD 0.009%). This variant has not been reported in the literature in individuals affected with ERBB4-related conditions. ClinVar contains an entry for this variant (Variation ID: 1374681). An algorithm developed to predict the effect of missense changes on protein structure and function (PolyPhen-2) suggests that this variant is likely to be tolerated. In summary, the available evidence is currently insufficient to determine the role of this variant in disease. Therefore, it has been classified as a Variant of Uncertain Significance.

PreventionGenetics, part of Exact Sciences
Classification: Uncertain significance for ERBB4-related condition. Last evaluated: 2024-09-21. Review status: no assertion criteria provided. Collection method: clinical testing. Allele origin: germline. Not counted in ClinVar's aggregate classification.
Comment: The ERBB4 c.3253A>G variant is predicted to result in the amino acid substitution p.Thr1085Ala. To our knowledge, this variant has not been reported in the literature. This variant is reported in 0.0088% of alleles in individuals of European (Non-Finnish) descent in gnomAD. Although we suspect that this variant may be benign, at this time, the clinical significance of this variant is uncertain due to the absence of conclusive functional and genetic evidence.

NM_005235.3(ERBB4):c.3253A>G (p.Thr1085Ala)

Gene: ERBB4 (erb-b2 receptor tyrosine kinase 4; minus strand). Cytogenetic location: 2q34.
Variant type: single nucleotide variant.
Coding change: c.3253A>G on transcript NM_005235.3 (MANE Select); coding-DNA position 3253, A replaced by G.
Protein change: p.Thr1085Ala; replaces threonine 1085 with alanine.
Molecular consequence: missense variant.
Genome position (GRCh38, 1-based): chr2:211,387,081, T>C on the plus strand (A>G on the coding strand, the complement: ERBB4 is on the minus strand). VCF-style: chr2-211387081-T-C. GRCh37 (hg19) VCF-style: chr2-212251806-T-C.
Other names: c.3205A>G, p.Thr1069Ala (NM_001042599.2); short protein forms T1069A, T1085A.
Identifiers: ClinVar variation 1374681 (VCV001374681.9), dbSNP rs143251275, ClinGen allele CA2087479.